The following is an entry in ClinVar:

ClinVar aggregate classification (germline): Benign/Likely benign. Review status: criteria provided, multiple submitters, no conflicts (2 of 4 stars). 4 submissions from 4 submitters: Benign (1); Likely benign (2). 1 of the submissions does not count toward it. Last evaluated 2026-08-01.

Conditions:
PNPT1-related disorder. Also called: PNPT1-related disorders; PNPT1-related condition.

Allele frequency attached by ClinVar (database versions not stated): gnomAD 0.00007 and 0.00011; TOPMed 0.00016; gnomAD exomes 0.00018 and 0.00038; ExAC 0.00042; 1000 Genomes Project 30x 0.00047; 1000 Genomes Project 0.00060.
gnomAD v4.1: 276 of 1,613,654 alleles (0.017%); highest among the groups gnomAD compares: East Asian, 0.43%; 1 homozygote.

Submissions (4):

CeGaT Center for Human Genetics Tuebingen
Classification: Likely benign. Last evaluated: 2026-08-01. Review status: criteria provided, single submitter. Criteria: CeGaT Center For Human Genetics Tuebingen Variant Classification Criteria Version 2. Collection method: clinical testing. Allele origin: germline. Affected: yes. Observed: 1 variant allele.
Comment: PNPT1: BP4, BP7

Labcorp Genetics (formerly Invitae), Labcorp
Classification: Benign. Last evaluated: 2025-11-03. Review status: criteria provided, single submitter. Criteria: Invitae Variant Classification Sherloc (09022015). Collection method: clinical testing. Allele origin: germline.

GeneDx
Classification: Likely benign. Last evaluated: 2020-11-24. Review status: criteria provided, single submitter. Criteria: GeneDx Variant Classification Process June 2021. Collection method: clinical testing. Allele origin: germline. Affected: yes.

PreventionGenetics, part of Exact Sciences
Classification: Likely benign for PNPT1-related condition. Last evaluated: 2023-12-15. Review status: no assertion criteria provided. Collection method: clinical testing. Allele origin: germline. Not counted in ClinVar's aggregate classification.
Comment: This variant is classified as likely benign based on ACMG/AMP sequence variant interpretation guidelines (Richards et al. 2015 PMID: 25741868, with internal and published modifications).

NM_033109.5(PNPT1):c.789A>G (p.Val263=)

Gene: PNPT1 (polyribonucleotide nucleotidyltransferase 1; minus strand). Cytogenetic location: 2p16.1.
Variant type: single nucleotide variant.
Coding change: c.789A>G on transcript NM_033109.5 (MANE Select); coding-DNA position 789, A replaced by G.
Protein change: p.Val263=; no amino-acid change (valine 263 retained).
Molecular consequence: synonymous variant.
Genome position (GRCh38, 1-based): chr2:55,672,970, T>C on the plus strand (A>G on the coding strand, the complement: PNPT1 is on the minus strand). VCF-style: chr2-55672970-T-C. GRCh37 (hg19) VCF-style: chr2-55900105-T-C.
Identifiers: ClinVar variation 735070 (VCV000735070.15), dbSNP rs76180666, ClinGen allele CA1668342.